The following is an entry in ClinVar:

NM_001395159.1(UNC79):c.5017C>T (p.Pro1673Ser)

Gene: UNC79 (unc-79 subunit of NALCN channel complex; plus strand). Cytogenetic location: 14q32.12.
Variant type: single nucleotide variant.
Coding change: c.5017C>T on transcript NM_001395159.1 (MANE Select); coding-DNA position 5017, C replaced by T.
Protein change: p.Pro1673Ser; replaces proline 1673 with serine.
Molecular consequence: missense variant.
Genome position (GRCh38, 1-based): chr14:93,622,034, C>T. VCF-style: chr14-93622034-C-T. GRCh37 (hg19) VCF-style: chr14-94088380-C-T.
Other names: c.4951C>T, p.Pro1651Ser (NM_001346218.2); c.4270C>T, p.Pro1424Ser (NM_020818.5); short protein forms P1424S, P1651S, P1673S.
Identifiers: ClinVar variation 4532617 (VCV004532617.1).
Genomic context (GRCh38, chr14:93,622,034, plus strand): 5'-GTTAGGTTAAACTGTATGGAGACTTTCGAGGTGAAAGTTGACTCGCCGGTAAAGCCTGCT[C>T]CTAAAGAGGATTTAGATCTGATAGATCTATCCTCAGATTCAACCTCGGGGCCTGAAAAAC-3'
Protein context (NP_001382088.1, residues 1663-1683): VKVDSPVKPA[Pro1673Ser]KEDLDLIDLS

ClinVar aggregate classification (germline): Uncertain significance (1 of 4 stars; one submission).

gnomAD v4.1: 2 of 1,614,054 alleles (0.00012%); highest among the groups gnomAD compares: East Asian, 0.0022%; no homozygotes.

Submission:

GeneDx
Classification: Uncertain significance. Last evaluated: 2025-05-27. Review status: criteria provided, single submitter. Criteria: GeneDx Variant Classification Process June 2021. Collection method: clinical testing. Allele origin: germline. Affected: yes.
Comment: Not observed at significant frequency in large population cohorts (gnomAD); In silico analysis suggests that this missense variant does not alter protein structure/function; Has not been previously published as pathogenic or benign to our knowledge